The following is an entry in ClinVar:

ClinVar aggregate classification (germline): Uncertain significance (1 of 4 stars; one submission).

gnomAD v4.1: 4 of 1,608,122 alleles (0.00025%); highest among the groups gnomAD compares: South Asian, 0.0011%; no homozygotes.

Submission:

GeneDx
Classification: Uncertain significance. Last evaluated: 2026-07-06. Review status: criteria provided, single submitter. Criteria: GeneDx Variant Classification Process June 2021. Collection method: clinical testing. Allele origin: germline.
Comment: Reported as a de novo variant in an individual with autism in published literature; however, de novo variants in other genes were also identified in this individual and no further clinical information was provided (PMID: 25363768); Not observed at significant frequency in large population cohorts (gnomAD); In silico analysis supports that this missense variant has a deleterious effect on protein structure/function; This variant is associated with the following publications: (PMID: 35982160, 35982159, 31785789, 28191890, 25363768, 30134165)

NM_018896.5(CACNA1G):c.4142G>A (p.Arg1381Gln)

Gene: CACNA1G (calcium voltage-gated channel subunit alpha1 G; plus strand). Cytogenetic location: 17q21.33.
Variant type: single nucleotide variant.
Coding change: c.4142G>A on transcript NM_018896.5 (MANE Select); coding-DNA position 4142, G replaced by A.
Protein change: p.Arg1381Gln; replaces arginine 1381 with glutamine.
Molecular consequence: missense variant. On other transcripts: non-coding transcript variant (5).
Genome position (GRCh38, 1-based): chr17:50,603,172, G>A. VCF-style: chr17-50603172-G-A. GRCh37 (hg19) VCF-style: chr17-48680533-G-A.
Other names: c.4142G>A, p.Arg1381Gln (NM_001256330.2, NM_001256331.2, NM_001256333.2 and 16 more transcripts); c.4073G>A, p.Arg1358Gln (NM_001256332.2, NM_198376.3, NM_198379.3 and 5 more transcripts); short protein forms R1358Q, R1381Q.
Identifiers: ClinVar variation 4074356 (VCV004074356.2).
Genomic context (GRCh38, chr17:50,603,172, plus strand): 5'-TTCTGGTGTCCATGGTCTCTGACAGCGGCACCAAGATCCTGGGCATGCTGAGGGTGCTGC[G>A]GCTGCTGCGGACCCTGCGCCCGCTCAGGTGACTCCCTCCCCAGCACTGGAACACCTCCAA-3'
Protein context (NP_061496.2, residues 1371-1391): TKILGMLRVL[Arg1381Gln]LLRTLRPLRV